The following is an entry in ClinVar:

ClinVar aggregate classification (germline): Uncertain significance (1 of 4 stars; one submission).

gnomAD v4.1: 12 of 1,612,034 alleles (0.00074%); highest among the groups gnomAD compares: East Asian, 0.0022%; no homozygotes.

Submission:

Ambry Genetics
Classification: Uncertain significance. Last evaluated: 2022-03-21. Review status: criteria provided, single submitter. Criteria: Ambry Variant Classification Scheme 2023. Collection method: clinical testing. Allele origin: germline.
Comment: The p.R36W variant (also known as c.106C>T), located in coding exon 1 of the STAP1 gene, results from a C to T substitution at nucleotide position 106. The arginine at codon 36 is replaced by tryptophan, an amino acid with dissimilar properties. This amino acid position is conserved. In addition, this alteration is predicted to be tolerated by in silico analysis. Since supporting evidence is limited at this time, the clinical significance of this alteration remains unclear.

NM_012108.4(STAP1):c.106C>T (p.Arg36Trp)

Gene: STAP1 (signal transducing adaptor family member 1; plus strand). Cytogenetic location: 4q13.2.
Variant type: single nucleotide variant.
Coding change: c.106C>T on transcript NM_012108.4 (MANE Select); coding-DNA position 106, C replaced by T.
Protein change: p.Arg36Trp; replaces arginine 36 with tryptophan.
Molecular consequence: missense variant.
Genome position (GRCh38, 1-based): chr4:67,558,915, C>T. VCF-style: chr4-67558915-C-T. GRCh37 (hg19) VCF-style: chr4-68424633-C-T.
Other names: c.106C>T, p.Arg36Trp (NM_001317769.2); short protein forms R36W.
Identifiers: ClinVar variation 1782948 (VCV001782948.2), dbSNP rs201298373, ClinGen allele CA2937433.